The following is an entry in ClinVar:

ClinVar aggregate classification (germline): Conflicting classifications of pathogenicity. Review status: criteria provided, conflicting classifications (1 of 4 stars). 2 submissions from 2 submitters: Uncertain significance (1); Likely benign (1). Last evaluated 2025-12-29.

Conditions:
Hereditary cancer-predisposing syndrome. Also called: Tumor predisposition; Neoplastic Syndromes, Hereditary; Hereditary neoplastic syndrome; Hereditary Cancer Syndrome. Identifiers: Orphanet 140162, MedGen C0027672, MeSH D009386, MONDO:0015356.

Submissions (2):

Center for Genomic Medicine, Rigshospitalet, Copenhagen University Hospital
Classification: Uncertain significance. Last evaluated: 2025-12-29. Review status: criteria provided, single submitter. Criteria: ACMG Guidelines, 2015. Collection method: clinical testing. Allele origin: germline.
Comment: Classification criteria: PM2_supporting, BP4

Ambry Genetics
Classification: Likely benign for Hereditary cancer-predisposing syndrome. Last evaluated: 2024-12-10. Review status: criteria provided, single submitter. Criteria: Ambry Variant Classification Scheme 2023. Collection method: clinical testing. Allele origin: germline.

NM_000051.4(ATM):c.609C>A (p.Asp203Glu)

Gene: ATM (ATM serine/threonine kinase; plus strand). Cytogenetic location: 11q22.3.
Variant type: single nucleotide variant.
Coding change: c.609C>A on transcript NM_000051.4 (MANE Select); coding-DNA position 609, C replaced by A.
Protein change: p.Asp203Glu; replaces aspartic acid 203 with glutamic acid.
Molecular consequence: missense variant.
Genome position (GRCh38, 1-based): chr11:108,244,065, C>A. VCF-style: chr11-108244065-C-A. GRCh37 (hg19) VCF-style: chr11-108114792-C-A.
Other names: c.609C>A, p.Asp203Glu (NM_001351834.2); short protein forms D203E.
Identifiers: ClinVar variation 3453131 (VCV003453131.2).